The following is an entry in ClinVar:

ClinVar aggregate classification (germline): Uncertain significance (1 of 4 stars; one submission).

Conditions:
Epileptic encephalopathy. Identifiers: MedGen C0543888, HP:0200134.

Allele frequency attached by ClinVar (database versions not stated): gnomAD exomes below 0.00001; gnomAD 0.00001.

Submission:

Labcorp Genetics (formerly Invitae), Labcorp
Classification: Uncertain significance for Epileptic encephalopathy. Last evaluated: 2022-12-19. Review status: criteria provided, single submitter. Criteria: Invitae Variant Classification Sherloc (09022015). Collection method: clinical testing. Allele origin: germline.
Comment: In summary, the available evidence is currently insufficient to determine the role of this variant in disease. Therefore, it has been classified as a Variant of Uncertain Significance. Algorithms developed to predict the effect of missense changes on protein structure and function are either unavailable or do not agree on the potential impact of this missense change (SIFT: "Tolerated"; PolyPhen-2: "Possibly Damaging"; Align-GVGD: "Class C0"). This variant has not been reported in the literature in individuals affected with FASN-related conditions. This variant is present in population databases (no rsID available, gnomAD 0.003%). This sequence change replaces alanine, which is neutral and non-polar, with valine, which is neutral and non-polar, at codon 613 of the FASN protein (p.Ala613Val).

NM_004104.5(FASN):c.1838C>T (p.Ala613Val)

Gene: FASN (fatty acid synthase; minus strand). Cytogenetic location: 17q25.3.
Variant type: single nucleotide variant.
Coding change: c.1838C>T on transcript NM_004104.5 (MANE Select); coding-DNA position 1838, C replaced by T.
Protein change: p.Ala613Val; replaces alanine 613 with valine.
Molecular consequence: missense variant.
Genome position (GRCh38, 1-based): chr17:82,090,407, G>A on the plus strand (C>T on the coding strand, the complement: FASN is on the minus strand). VCF-style: chr17-82090407-G-A. GRCh37 (hg19) VCF-style: chr17-80048283-G-A.
Other names: short protein forms A613V.
Identifiers: ClinVar variation 2879865 (VCV002879865.3), dbSNP rs1217235195, ClinGen allele CA401559595.
Genomic context (GRCh38, chr17:82,090,407, plus strand): 5'-GTGCTGGGGGCCCCTCCGGGAGACCTACCCACGGCTGCCATGGCGCCCGGCGGGAGATGG[G>A]CTTCTTTGATGCACTGTCCCCTCCAGTAGGCAGCGAGGACGGCCTCCTCCTGGGACAGGC-3'
Protein context (NP_004095.4, residues 603-623): AYWRGQCIKE[Ala613Val]HLPPGAMAAV